The following is an entry in ClinVar:

ClinVar aggregate classification (germline): Uncertain significance (1 of 4 stars; one submission).

Submission:

Labcorp Genetics (formerly Invitae), Labcorp
Classification: Uncertain significance. Last evaluated: 2022-07-12. Review status: criteria provided, single submitter. Criteria: Invitae Variant Classification Sherloc (09022015). Collection method: clinical testing. Allele origin: germline.
Comment: This sequence change replaces serine, which is neutral and polar, with arginine, which is basic and polar, at codon 375 of the GRHL2 protein (p.Ser375Arg). This variant is not present in population databases (gnomAD no frequency). This variant has not been reported in the literature in individuals affected with GRHL2-related conditions. ClinVar contains an entry for this variant (Variation ID: 1366658). In summary, the available evidence is currently insufficient to determine the role of this variant in disease. Therefore, it has been classified as a Variant of Uncertain Significance. Algorithms developed to predict the effect of missense changes on protein structure and function (SIFT, PolyPhen-2, Align-GVGD) all suggest that this variant is likely to be disruptive.

NM_024915.4(GRHL2):c.1123A>C (p.Ser375Arg)

Gene: GRHL2 (grainyhead like transcription factor 2; plus strand). Cytogenetic location: 8q22.3.
Variant type: single nucleotide variant.
Coding change: c.1123A>C on transcript NM_024915.4 (MANE Select); coding-DNA position 1123, A replaced by C.
Protein change: p.Ser375Arg; replaces serine 375 with arginine.
Molecular consequence: missense variant.
Genome position (GRCh38, 1-based): chr8:101,619,563, A>C. VCF-style: chr8-101619563-A-C. GRCh37 (hg19) VCF-style: chr8-102631791-A-C.
Other names: c.1075A>C, p.Ser359Arg (NM_001330593.2); short protein forms S375R, S359R.
Identifiers: ClinVar variation 1366658 (VCV001366658.8), dbSNP rs2130369382, ClinGen allele CA371585418.